The following is an entry in ClinVar:

ClinVar aggregate classification (germline): Likely pathogenic (1 of 4 stars; one submission).

Conditions:
Inborn genetic diseases. Identifiers: MedGen C0950123, MeSH D030342.

Submission:

Ambry Genetics
Classification: Likely pathogenic for Inborn genetic diseases. Last evaluated: 2019-05-10. Review status: criteria provided, single submitter. Criteria: Ambry Variant Classification Scheme 2023. Collection method: clinical testing. Allele origin: germline.
Comment: The p.A974G variant (also known as c.2921C>G), located in coding exon 16 of the SCN8A gene, results from a C to G substitution at nucleotide position 2921. The alanine at codon 974 is replaced by glycine, an amino acid with similar properties. This variant has been determined to be the result of a de novo mutation or germline mosaicism in one family with an isolated case of developmental delay and intractable epilepsy (Ambry internal data). This variant was not reported in population-based cohorts in the Genome Aggregation Database (gnomAD). This amino acid position is highly conserved in available vertebrate species. In addition, this alteration is predicted to be deleterious by in silico analysis. Based on the majority of available evidence to date, this variant is likely to be pathogenic.

NM_001330260.2(SCN8A):c.2921C>G (p.Ala974Gly)

Gene: SCN8A (sodium voltage-gated channel alpha subunit 8; plus strand). Cytogenetic location: 12q13.13.
Variant type: single nucleotide variant.
Coding change: c.2921C>G on transcript NM_001330260.2 (MANE Select); coding-DNA position 2921, C replaced by G.
Protein change: p.Ala974Gly; replaces alanine 974 with glycine.
Molecular consequence: missense variant.
Genome position (GRCh38, 1-based): chr12:51,768,884, C>G. VCF-style: chr12-51768884-C-G. GRCh37 (hg19) VCF-style: chr12-52162668-C-G.
Other names: c.2921C>G, p.Ala974Gly (NM_001177984.3, NM_001369788.1, NM_014191.4); short protein forms A974G.
Identifiers: ClinVar variation 986260 (VCV000986260.3), dbSNP rs1942877839, ClinGen allele CA384891707.